The following is an entry in ClinVar:

NM_016013.4(NDUFAF1):c.624_625del (p.Tyr209fs)

Gene: NDUFAF1 (NADH:ubiquinone oxidoreductase complex assembly factor 1; minus strand). Cytogenetic location: 15q15.1.
Variant type: Deletion.
Coding change: c.624_625del on transcript NM_016013.4 (MANE Select); coding-DNA positions 624 to 625, 2 bases deleted (GT; older notation c.624_625delGT).
Protein change: p.Tyr209fs; shifts the reading frame from tyrosine 209.
Molecular consequence: frameshift variant. On other transcripts: non-coding transcript variant (1).
Genome position (GRCh38, 1-based): chr15:41,394,993-41,394,994, AC deleted on the plus strand (GT on the coding strand, the reverse complement: NDUFAF1 is on the minus strand); deleting any 2 consecutive bases within chr15:41,394,993-41,394,995 gives the same sequence; the c. name uses the placement nearest the transcript's 3' end. VCF-style (leftmost placement, unchanged base first): chr15-41394992-TAC-T. GRCh37 (hg19) VCF-style: chr15-41687190-TAC-T.
Other names: c.624_625delGT (NM_016013.4); short protein forms Y209fs.
Identifiers: ClinVar variation 2434084 (VCV002434084.4), dbSNP rs765677258, ClinGen allele CA7491292.

ClinVar aggregate classification (germline): Uncertain significance. Review status: criteria provided, multiple submitters, no conflicts (2 of 4 stars). 2 submissions from 2 submitters: Uncertain significance (2). Last evaluated 2026-03-09.

Conditions:
Mitochondrial complex I deficiency, nuclear type 11. Also called: Mitochondrial complex 1 deficiency, nuclear type 11. Identifiers: MedGen C4748769, MONDO:0032617, OMIM 618234.

Submissions (2):

Women's Health and Genetics/Laboratory Corporation of America, LabCorp
Classification: Uncertain significance. Last evaluated: 2026-03-09. Review status: criteria provided, single submitter. Criteria: LabCorp Variant Classification Summary - May 2015. Collection method: clinical testing. Allele origin: germline.
Comment: Variant summary: NDUFAF1 c.624_625delGT (p.Tyr209SerfsX29) results in a premature termination codon, predicted to cause a truncation of the encoded protein or absence of the protein due to nonsense mediated decay, however current evidence is not sufficient to establish loss of function as a mechanism for disease. The variant allele was found at a frequency of 3.2e-05 in 251452 control chromosomes. The available data on variant occurrences in the general population are insufficient to allow any conclusion about variant significance. To our knowledge, no occurrence of c.624_625delGT in individuals affected with NDUFAF1-related conditions and no experimental evidence demonstrating its impact on protein function have been reported. ClinVar contains an entry for this variant (Variation ID: 2434084). Based on the evidence outlined above, the variant was classified as uncertain significance.

Revvity Omics, Revvity
Classification: Uncertain significance for Mitochondrial complex I deficiency, nuclear type 11. Last evaluated: 2019-08-06. Review status: criteria provided, single submitter. Criteria: ACMG Guidelines, 2015. Collection method: clinical testing. Allele origin: germline.